The following is an entry in ClinVar:

NM_006415.4(SPTLC1):c.253G>A (p.Val85Ile)

Gene: SPTLC1 (serine palmitoyltransferase long chain base subunit 1; minus strand). Cytogenetic location: 9q22.31.
Variant type: single nucleotide variant.
Coding change: c.253G>A on transcript NM_006415.4 (MANE Select); coding-DNA position 253, G replaced by A.
Protein change: p.Val85Ile; replaces valine 85 with isoleucine.
Molecular consequence: missense variant. On other transcripts: 5 prime UTR variant (2).
Genome position (GRCh38, 1-based): chr9:92,108,747, C>T on the plus strand (G>A on the coding strand, the complement: SPTLC1 is on the minus strand). VCF-style: chr9-92108747-C-T. GRCh37 (hg19) VCF-style: chr9-94871029-C-T.
Other names: c.253G>A, p.Val85Ile (NM_001281303.2, NM_178324.3); c.-247G>A (NM_001368272.1); c.-213G>A (NM_001368273.1); c.253G>A (NM_006415.3); short protein forms V85I.
Identifiers: ClinVar variation 1357792 (VCV001357792.9), dbSNP rs140486014, ClinGen allele CA195396358.

ClinVar aggregate classification (germline): Uncertain significance. Review status: criteria provided, multiple submitters, no conflicts (2 of 4 stars). 2 submissions from 2 submitters: Uncertain significance (2). Last evaluated 2026-06-26.

Conditions:
SPTLC1-related disorder. Also called: SPTLC1-related condition.
Hereditary sensory and autonomic neuropathy type 1 (HSAN1). Also called: HSAN 1; HSN Type I; Hereditary Sensory Neuropathy Type I. Identifiers: Orphanet 36386, MedGen C0020071, MONDO:0018213.

Allele frequency attached by ClinVar (database versions not stated): gnomAD 0.00001; gnomAD exomes below 0.00001; TOPMed 0.00002.
gnomAD v4.1: 6 of 1,605,038 alleles (0.00037%); highest among the groups gnomAD compares: East Asian, 0.0022%; no homozygotes.

Submissions (2):

PreventionGenetics, part of Exact Sciences
Classification: Uncertain significance for SPTLC1-related condition. Last evaluated: 2026-06-26. Review status: criteria provided, single submitter. Criteria: ACMG Guidelines, 2015. Collection method: clinical testing. Allele origin: germline.
Comment: The SPTLC1 c.253G>A variant is predicted to result in the amino acid substitution p.Val85Ile. To our knowledge, this variant has not been reported in the literature. This variant is reported in 0.034% of alleles in individuals of African descent in gnomAD. At this time, the clinical significance of this variant is uncertain due to the absence of conclusive functional and genetic evidence.

Labcorp Genetics (formerly Invitae), Labcorp
Classification: Uncertain significance for Hereditary sensory and autonomic neuropathy type 1. Last evaluated: 2024-01-05. Review status: criteria provided, single submitter. Criteria: Invitae Variant Classification Sherloc (09022015). Collection method: clinical testing. Allele origin: germline.
Comment: This sequence change replaces valine, which is neutral and non-polar, with isoleucine, which is neutral and non-polar, at codon 85 of the SPTLC1 protein (p.Val85Ile). This variant is present in population databases (rs140486014, gnomAD 0.03%). This variant has not been reported in the literature in individuals affected with SPTLC1-related conditions. ClinVar contains an entry for this variant (Variation ID: 1357792). Advanced modeling of protein sequence and biophysical properties (such as structural, functional, and spatial information, amino acid conservation, physicochemical variation, residue mobility, and thermodynamic stability) performed at Invitae indicates that this missense variant is not expected to disrupt SPTLC1 protein function with a negative predictive value of 80%. In summary, the available evidence is currently insufficient to determine the role of this variant in disease. Therefore, it has been classified as a Variant of Uncertain Significance.